The following is an entry in ClinVar:

ClinVar aggregate classification (germline): Uncertain significance (1 of 4 stars; one submission).

Conditions:
Fanconi anemia complementation group O. Also called: RAD51C-Related Fanconi Anemia. Identifiers: Orphanet 84, MedGen C3150653, MONDO:0013248, OMIM 613390.

Submission:

Labcorp Genetics (formerly Invitae), Labcorp
Classification: Uncertain significance for Fanconi anemia complementation group O. Last evaluated: 2021-02-08. Review status: criteria provided, single submitter. Criteria: Invitae Variant Classification Sherloc (09022015). Collection method: clinical testing. Allele origin: germline.
Comment: In summary, the available evidence is currently insufficient to determine the role of this variant in disease. Therefore, it has been classified as a Variant of Uncertain Significance. Algorithms developed to predict the effect of missense changes on protein structure and function (SIFT, PolyPhen-2, Align-GVGD) all suggest that this variant is likely to be disruptive, but these predictions have not been confirmed by published functional studies and their clinical significance is uncertain. This variant has not been reported in the literature in individuals with RAD51C-related conditions. This variant is not present in population databases (ExAC no frequency). This sequence change replaces threonine with alanine at codon 102 of the RAD51C protein (p.Thr102Ala). The threonine residue is highly conserved and there is a small physicochemical difference between threonine and alanine.

NM_058216.3(RAD51C):c.304A>G (p.Thr102Ala)

Gene: RAD51C (RAD51 paralog C; plus strand). Cytogenetic location: 17q22.
Variant type: single nucleotide variant.
Coding change: c.304A>G on transcript NM_058216.3 (MANE Select); coding-DNA position 304, A replaced by G.
Protein change: p.Thr102Ala; replaces threonine 102 with alanine.
Molecular consequence: missense variant. On other transcripts: non-coding transcript variant (2).
Genome position (GRCh38, 1-based): chr17:58,695,089, A>G. VCF-style: chr17-58695089-A-G. GRCh37 (hg19) VCF-style: chr17-56772450-A-G.
Other names: c.304A>G, p.Thr102Ala (NM_002876.4); short protein forms T102A.
Identifiers: ClinVar variation 1054419 (VCV001054419.9), dbSNP rs2143723786, ClinGen allele CA400341054.